The following is an entry in ClinVar:

NM_025114.4(CEP290):c.6397dup (p.Thr2133fs)

Gene: CEP290 (centrosomal protein 290; minus strand). Cytogenetic location: 12q21.32.
Variant type: Duplication.
Coding change: c.6397dup on transcript NM_025114.4 (MANE Select); coding-DNA position 6397, one base duplicated (A; older notation c.6397dupA).
Protein change: p.Thr2133fs; shifts the reading frame from threonine 2133.
Molecular consequence: frameshift variant.
Genome position (GRCh38, 1-based): chr12:88,060,955, T duplicated on the plus strand (A on the coding strand, the reverse complement: CEP290 is on the minus strand); the first of 6 consecutive T bases (chr12:88,060,955-88,060,960); duplicating any one gives the same sequence. VCF-style (leftmost placement, unchanged base first): chr12-88060954-G-GT. GRCh37 (hg19) VCF-style: chr12-88454731-G-GT.
Other names: c.6397dup (NM_025114.3); short protein forms T2133fs.
Identifiers: ClinVar variation 3241092 (VCV003241092.3), dbSNP rs2499571369.
Genomic context (GRCh38, chr12:88,060,954, plus strand): 5'-TTTTTCAACTGTTCATTTTCTCTCTGGACTTTTTCAACTACTTTTTTCATTAAACCAATG[G>GT]TTTTTTCCAGTTCTGGGATTGTCTTTCCACTTCTACCAGACTACGAAAGAATATGTTAAA-3'

ClinVar aggregate classification (germline): Likely pathogenic. Review status: criteria provided, multiple submitters, no conflicts (2 of 4 stars). 3 submissions from 3 submitters: Likely pathogenic (3). Last evaluated 2024-05-31.

Conditions:
Leber congenital amaurosis (LCA). Also called: Leber's amaurosis. Identifiers: Orphanet 65, MedGen C0339527, MeSH D057130, MONDO:0018998.
Bardet-Biedl syndrome 14 (BBS14). Identifiers: Orphanet 110, MedGen C2673874, MONDO:0014442, OMIM 615991.
Leber congenital amaurosis 10 (LCA10). Identifiers: Orphanet 65, MedGen C1857821, MONDO:0012723, OMIM 611755.
Meckel syndrome, type 4 (MKS4). Also called: MECKEL-GRUBER SYNDROME, TYPE 4. Identifiers: Orphanet 564, MedGen C1970161, MONDO:0012626, OMIM 611134.
Joubert syndrome 5 (JBTS5). Identifiers: Orphanet 2318, MedGen C1857780, MONDO:0012432, OMIM 610188.
Senior-Loken syndrome 6 (SLSN6). Identifiers: Orphanet 3156, MedGen C1857779, MONDO:0012433, OMIM 610189.

Submissions (3):

Natera, Inc.
Classification: Likely pathogenic for Leber congenital amaurosis. Last evaluated: 2024-05-31. Review status: criteria provided, single submitter. Criteria: Natera Variant Classification Schema (03/2026). Collection method: clinical testing. Allele origin: germline.
Comment: The c.6397dup variant in CEP290 is a frameshift variant predicted to shift the reading frame beginning at codon 2133 and leads to a stop codon 10 codons downstream. This variant is expected to result in nonsense mediated decay, truncation, or a dysfunctional protein product. This variant is rare in the general population with a frequency below the threshold expected for the associated phenotype(s). Given the available evidence, this variant is classified as Likely Pathogenic.

Baylor Genetics
Classification: Likely pathogenic for Bardet-Biedl syndrome 14. Last evaluated: 2024-03-11. Review status: criteria provided, single submitter. Criteria: ACMG Guidelines, 2015. Collection method: clinical testing. Allele origin: unknown.

Fulgent Genetics
Classification: Likely pathogenic for Joubert syndrome 5; Senior-Loken syndrome 6; Meckel syndrome, type 4; Leber congenital amaurosis 10; Bardet-Biedl syndrome 14. Last evaluated: 2024-01-24. Review status: criteria provided, single submitter. Criteria: ACMG Guidelines, 2015. Collection method: clinical testing. Allele origin: germline.